The following is an entry in ClinVar:

ClinVar aggregate classification (germline): Uncertain significance (1 of 4 stars; one submission).

Conditions:
Diffuse cerebral and cerebellar atrophy - intractable seizures - progressive microcephaly syndrome. Also called: Microcephaly, progressive, with seizures and cerebral and cerebellar atrophy. Identifiers: Orphanet 404437, MedGen C4014239, MONDO:0014335, OMIM 615760.

Submission:

Labcorp Genetics (formerly Invitae), Labcorp
Classification: Uncertain significance for Diffuse cerebral and cerebellar atrophy - intractable seizures - progressive microcephaly syndrome. Last evaluated: 2020-08-25. Review status: criteria provided, single submitter. Criteria: Invitae Variant Classification Sherloc (09022015). Collection method: clinical testing. Allele origin: germline.
Comment: This sequence change replaces leucine with proline at codon 276 of the QARS protein (p.Leu276Pro). The leucine residue is highly conserved and there is a moderate physicochemical difference between leucine and proline. This variant is not present in population databases (ExAC no frequency). This variant has not been reported in the literature in individuals with QARS-related conditions. Algorithms developed to predict the effect of missense changes on protein structure and function (SIFT, PolyPhen-2, Align-GVGD) all suggest that this variant is likely to be disruptive, but these predictions have not been confirmed by published functional studies and their clinical significance is uncertain. In summary, the available evidence is currently insufficient to determine the role of this variant in disease. Therefore, it has been classified as a Variant of Uncertain Significance.

NM_005051.3(QARS1):c.827T>C (p.Leu276Pro)

Gene: QARS1 (glutaminyl-tRNA synthetase 1; minus strand). Cytogenetic location: 3p21.31.
Variant type: single nucleotide variant.
Coding change: c.827T>C on transcript NM_005051.3 (MANE Select); coding-DNA position 827, T replaced by C.
Protein change: p.Leu276Pro; replaces leucine 276 with proline.
Molecular consequence: missense variant. On other transcripts: non-coding transcript variant (1).
Genome position (GRCh38, 1-based): chr3:49,101,404, A>G on the plus strand (T>C on the coding strand, the complement: QARS1 is on the minus strand). VCF-style: chr3-49101404-A-G. GRCh37 (hg19) VCF-style: chr3-49138837-A-G.
Other names: c.794T>C, p.Leu265Pro (NM_001272073.2); short protein forms L265P, L276P.
Identifiers: ClinVar variation 1040432 (VCV001040432.1), dbSNP rs2042468624, ClinGen allele CA352714174.